The following is an entry in ClinVar:

NM_000053.4(ATP7B):c.1869+2T>G

Gene: ATP7B (ATPase copper transporting beta; minus strand). Cytogenetic location: 13q14.3.
Variant type: single nucleotide variant.
Coding change: c.1869+2T>G on transcript NM_000053.4 (MANE Select); the canonical splice donor site of the intron after coding-DNA position 1869, T replaced by G.
Molecular consequence: splice donor variant. On other transcripts: intron variant (3).
Genome position (GRCh38, 1-based): chr13:51,964,870, A>C on the plus strand (T>G on the coding strand, the complement: ATP7B is on the minus strand). VCF-style: chr13-51964870-A-C. GRCh37 (hg19) VCF-style: chr13-52539006-A-C.
Other names: c.1869+2T>G (NM_001406515.1, NM_001406525.1, NM_001406523.1 and 24 more transcripts); c.1773+2T>G (NM_001406518.1, NM_001406544.1, NM_001406536.1 and 3 more transcripts); c.1440+2T>G (NM_001406539.1); c.1536+2T>G (NM_001243182.2); c.1285+9065T>G (NM_001406548.1); c.1836+2T>G (NM_001406524.1, NM_001406514.1); c.1707+3574T>G (NM_001406547.1, NM_001406545.1).
Identifiers: ClinVar variation 4063559 (VCV004063559.2).

ClinVar aggregate classification (germline): Likely pathogenic (1 of 4 stars; one submission).

Conditions:
Wilson disease (WND). Also called: Wilson's disease. Identifiers: Orphanet 905, MedGen C0019202, MONDO:0010200, OMIM 277900. Disease mechanism: loss of function.

Submission:

Natera, Inc.
Classification: Likely pathogenic for Wilson disease. Last evaluated: 2025-02-27. Review status: criteria provided, single submitter. Criteria: Natera Variant Classification Schema (03/2026). Collection method: clinical testing. Allele origin: germline.
Comment: The c.1869+2T>G variant in ATP7B is a canonical splice donor site variant predicted to affect pre-mRNA splicing, which may result in an abnormal transcript and altered protein product. This variant is expected to result in nonsense mediated decay, truncation, or a dysfunctional protein product. This variant is rare in the general population with a frequency below the threshold expected for the associated phenotype(s). Given the available evidence, this variant is classified as Likely Pathogenic.